The following is an entry in ClinVar:

ClinVar aggregate classification (germline): Pathogenic/Likely pathogenic. Review status: criteria provided, multiple submitters, no conflicts (2 of 4 stars). 2 submissions from 2 submitters: Pathogenic (1); Likely pathogenic (1). Last evaluated 2024-11-11.

Conditions:
Hermansky-Pudlak syndrome 2 (HPS2). Also called: Platelet defects and oculocutaneous albinism. Identifiers: Orphanet 183678, Orphanet 79430, MedGen C1842362, MONDO:0011997, OMIM 608233.

Submissions (2):

Labcorp Genetics (formerly Invitae), Labcorp
Classification: Pathogenic for Hermansky-Pudlak syndrome 2. Last evaluated: 2024-11-11. Review status: criteria provided, single submitter. Criteria: Invitae Variant Classification Sherloc (09022015). Collection method: clinical testing. Allele origin: germline.
Comment: This sequence change creates a premature translational stop signal (p.Thr1006Lysfs*5) in the AP3B1 gene. It is expected to result in an absent or disrupted protein product. Loss-of-function variants in AP3B1 are known to be pathogenic (PMID: 16507770, 23403622). This variant is not present in population databases (gnomAD no frequency). This variant has not been reported in the literature in individuals affected with AP3B1-related conditions. ClinVar contains an entry for this variant (Variation ID: 3239765). For these reasons, this variant has been classified as Pathogenic.

Baylor Genetics
Classification: Likely pathogenic for Hermansky-Pudlak syndrome 2. Last evaluated: 2024-02-08. Review status: criteria provided, single submitter. Criteria: ACMG Guidelines, 2015. Collection method: clinical testing. Allele origin: unknown.

Literature cited by the submitters: PubMed 16507770 (cited by Labcorp Genetics (formerly Invitae), Labcorp); PubMed 23403622 (cited by Labcorp Genetics (formerly Invitae), Labcorp).

NM_003664.5(AP3B1):c.3015_3016dup (p.Thr1006fs)

Gene: AP3B1 (adaptor related protein complex 3 subunit beta 1; minus strand). Cytogenetic location: 5q14.1.
Variant type: Duplication.
Coding change: c.3015_3016dup on transcript NM_003664.5 (MANE Select); coding-DNA positions 3015 to 3016, 2 bases duplicated (AA; older notation c.3015_3016dupAA).
Protein change: p.Thr1006fs; shifts the reading frame from threonine 1006.
Molecular consequence: frameshift variant.
Genome position (GRCh38, 1-based): chr5:78,015,525-78,015,526, TT duplicated on the plus strand (AA on the coding strand, the reverse complement: AP3B1 is on the minus strand); duplicating any 2 consecutive bases within chr5:78,015,525-78,015,527 gives the same sequence; the c. name uses the placement nearest the transcript's 3' end. VCF-style (leftmost placement, unchanged base first): chr5-78015524-G-GTT. GRCh37 (hg19) VCF-style: chr5-77311348-G-GTT.
Other names: c.2868_2869dup, p.Thr957fs (NM_001271769.2); short protein forms T1006fs, T957fs.
Identifiers: ClinVar variation 3239765 (VCV003239765.3), dbSNP rs1746822963.